The following is an entry in ClinVar:

ClinVar aggregate classification (germline): Uncertain significance (1 of 4 stars; one submission).

Conditions:
Hereditary spastic paraplegia 31. Also called: SPASTIC PARAPLEGIA 31, AUTOSOMAL DOMINANT. Identifiers: Orphanet 101011, MedGen C1853247, MONDO:0012453, OMIM 610250.

Allele frequency attached by ClinVar (database versions not stated): gnomAD exomes below 0.00001; ExAC 0.00001.
gnomAD v4.1: 2 of 1,613,008 alleles (0.00012%); highest among the groups gnomAD compares: Non-Finnish European, 0.00017%; no homozygotes.

Submission:

Labcorp Genetics (formerly Invitae), Labcorp
Classification: Uncertain significance for Hereditary spastic paraplegia 31. Last evaluated: 2024-03-05. Review status: criteria provided, single submitter. Criteria: Invitae Variant Classification Sherloc (09022015). Collection method: clinical testing. Allele origin: germline.
Comment: This sequence change falls in intron 4 of the REEP1 gene. It does not directly change the encoded amino acid sequence of the REEP1 protein. It affects a nucleotide within the consensus splice site. This variant is present in population databases (rs755901202, gnomAD 0.0009%). This variant has not been reported in the literature in individuals affected with REEP1-related conditions. ClinVar contains an entry for this variant (Variation ID: 1467733). Variants that disrupt the consensus splice site are a relatively common cause of aberrant splicing (PMID: 17576681, 9536098). Algorithms developed to predict the effect of sequence changes on RNA splicing suggest that this variant is not likely to affect RNA splicing. In summary, the available evidence is currently insufficient to determine the role of this variant in disease. Therefore, it has been classified as a Variant of Uncertain Significance.

Literature cited by the submitters: PubMed 17576681; PubMed 9536098.

NM_001371279.1(REEP1):c.303+6A>G

Gene: REEP1 (receptor accessory protein 1; minus strand). Cytogenetic location: 2p11.2.
Variant type: single nucleotide variant.
Coding change: c.303+6A>G on transcript NM_001371279.1 (MANE Select); 6 bases into the intron after coding-DNA position 303, A replaced by G.
Molecular consequence: intron variant.
Genome position (GRCh38, 1-based): chr2:86,254,688, T>C on the plus strand (A>G on the coding strand, the complement: REEP1 is on the minus strand). VCF-style: chr2-86254688-T-C. GRCh37 (hg19) VCF-style: chr2-86481811-T-C.
Other names: c.324+6A>G (NM_001164730.2); c.222+6A>G (NM_001164731.2); c.182+9277A>G (NM_001164732.2); c.303+6A>G (NM_001371280.1, NM_022912.3).
Identifiers: ClinVar variation 1467733 (VCV001467733.6), dbSNP rs755901202, ClinGen allele CA1748787.